The following is an entry in ClinVar:

ClinVar aggregate classification (germline): Uncertain significance (1 of 4 stars; one submission).

Conditions:
Ornithine aminotransferase deficiency (GACR). Also called: OAT DEFICIENCY; OKT DEFICIENCY; Ornithine ketoacid aminotransferase deficiency; Gyrate atrophy; Gyrate atrophy of choroid and retina; Girate atrophy of the retina. Identifiers: Orphanet 414, MedGen C0018425, MONDO:0009796, OMIM 258870.

Submission:

Labcorp Genetics (formerly Invitae), Labcorp
Classification: Uncertain significance for Ornithine aminotransferase deficiency. Last evaluated: 2025-01-06. Review status: criteria provided, single submitter. Criteria: Invitae Variant Classification Sherloc (09022015). Collection method: clinical testing. Allele origin: germline.
Comment: This sequence change falls in intron 5 of the OAT gene. It does not directly change the encoded amino acid sequence of the OAT protein. It affects a nucleotide within the consensus splice site. This variant is not present in population databases (gnomAD no frequency). This variant has not been reported in the literature in individuals affected with OAT-related conditions. ClinVar contains an entry for this variant (Variation ID: 998808). Variants that disrupt the consensus splice site are a relatively common cause of aberrant splicing (PMID: 17576681, 9536098). Algorithms developed to predict the effect of sequence changes on RNA splicing suggest that this variant is not likely to affect RNA splicing. In summary, the available evidence is currently insufficient to determine the role of this variant in disease. Therefore, it has been classified as a Variant of Uncertain Significance.

Literature cited by the submitters: PubMed 17576681; PubMed 9536098.

NM_000274.4(OAT):c.648+6T>G

Gene: OAT (ornithine aminotransferase; minus strand). Cytogenetic location: 10q26.13.
Variant type: single nucleotide variant.
Coding change: c.648+6T>G on transcript NM_000274.4 (MANE Select); 6 bases into the intron after coding-DNA position 648, T replaced by G.
Molecular consequence: intron variant.
Genome position (GRCh38, 1-based): chr10:124,405,430, A>C on the plus strand (T>G on the coding strand, the complement: OAT is on the minus strand). VCF-style: chr10-124405430-A-C. GRCh37 (hg19) VCF-style: chr10-126093999-A-C.
Other names: c.648+6T>G (NM_001322966.2, NM_001322967.2, NM_001322968.2 and 3 more transcripts); c.234+6T>G (NM_001171814.2); c.48+6T>G (NM_001322974.2); c.327+6T>G (NM_001322971.2).
Identifiers: ClinVar variation 998808 (VCV000998808.6), dbSNP rs1951545873, ClinGen allele CA1942339053.
Genomic context (GRCh38, chr10:124,405,430, plus strand): 5'-TTCATATATTCAACAGCTTTAATTTCTATTCCCAATGAGCTGAGCACTATGATGCTAGTG[A>C]AATACCTCCAGTGCGGGCAGATCATTATAGGGAATGATGTCGAATCCCGGCATAAATGGT-3'